The following is an entry in ClinVar:

ClinVar aggregate classification (germline): Uncertain significance (1 of 4 stars; one submission).

Allele frequency attached by ClinVar (database versions not stated): gnomAD 0.00001; gnomAD exomes 0.00001; ExAC 0.00002.

Submission:

Ambry Genetics
Classification: Uncertain significance. Last evaluated: 2023-07-15. Review status: criteria provided, single submitter. Criteria: Ambry Variant Classification Scheme 2023. Collection method: clinical testing. Allele origin: germline.
Comment: The p.M680V variant (also known as c.2038A>G), located in coding exon 13 of the POLQ gene, results from an A to G substitution at nucleotide position 2038. The methionine at codon 680 is replaced by valine, an amino acid with highly similar properties. This amino acid position is conserved. In addition, this alteration is predicted to be tolerated by in silico analysis. Since supporting evidence is limited at this time, the clinical significance of this alteration remains unclear.

NM_199420.4(POLQ):c.2038A>G (p.Met680Val)

Gene: POLQ (DNA polymerase theta; minus strand). Cytogenetic location: 3q13.33.
Variant type: single nucleotide variant.
Coding change: c.2038A>G on transcript NM_199420.4 (MANE Select); coding-DNA position 2038, A replaced by G.
Protein change: p.Met680Val; replaces methionine 680 with valine.
Molecular consequence: missense variant.
Genome position (GRCh38, 1-based): chr3:121,498,592, T>C on the plus strand (A>G on the coding strand, the complement: POLQ is on the minus strand). VCF-style: chr3-121498592-T-C. GRCh37 (hg19) VCF-style: chr3-121217439-T-C.
Other names: short protein forms M680V.
Identifiers: ClinVar variation 1784841 (VCV001784841.3), dbSNP rs780382911, ClinGen allele CA2563384.